The following is an entry in ClinVar:

ClinVar aggregate classification (germline): Uncertain significance (1 of 4 stars; one submission).

Conditions:
Familial adenomatous polyposis 1 (FAP1). Also called: FAMILIAL ADENOMATOUS POLYPOSIS 1, ATTENUATED; POLYPOSIS, ADENOMATOUS INTESTINAL. Identifiers: MedGen C2713442, MONDO:0021056, OMIM 175100. Disease mechanism: loss of function.

Submission:

Labcorp Genetics (formerly Invitae), Labcorp
Classification: Uncertain significance for Familial adenomatous polyposis 1. Last evaluated: 2023-06-24. Review status: criteria provided, single submitter. Criteria: Invitae Variant Classification Sherloc (09022015). Collection method: clinical testing. Allele origin: germline.
Comment: This variant has not been reported in the literature in individuals affected with APC-related conditions. In summary, the available evidence is currently insufficient to determine the role of this variant in disease. Therefore, it has been classified as a Variant of Uncertain Significance. Advanced modeling of protein sequence and biophysical properties (such as structural, functional, and spatial information, amino acid conservation, physicochemical variation, residue mobility, and thermodynamic stability) performed at Invitae indicates that this missense variant is not expected to disrupt APC protein function. This variant is not present in population databases (gnomAD no frequency). This sequence change replaces serine, which is neutral and polar, with alanine, which is neutral and non-polar, at codon 1652 of the APC protein (p.Ser1652Ala).

NM_000038.6(APC):c.4954T>G (p.Ser1652Ala)

Gene: APC (APC regulator of Wnt signaling pathway; plus strand). Cytogenetic location: 5q22.2.
Variant type: single nucleotide variant.
Coding change: c.4954T>G on transcript NM_000038.6 (MANE Select); coding-DNA position 4954, T replaced by G.
Protein change: p.Ser1652Ala; replaces serine 1652 with alanine.
Molecular consequence: missense variant. On other transcripts: non-coding transcript variant (2).
Genome position (GRCh38, 1-based): chr5:112,840,548, T>G. VCF-style: chr5-112840548-T-G. GRCh37 (hg19) VCF-style: chr5-112176245-T-G.
Other names: c.4954T>G, p.Ser1652Ala (NM_001127510.3, NM_001354895.2, NM_001407450.1); c.4900T>G, p.Ser1634Ala (NM_001127511.3); c.5008T>G, p.Ser1670Ala (NM_001354896.2, NM_001407447.1, NM_001407448.1 and 1 more transcripts); c.4984T>G, p.Ser1662Ala (NM_001354897.2); c.4879T>G, p.Ser1627Ala (NM_001354898.2); c.4870T>G, p.Ser1624Ala (NM_001354899.2); c.4831T>G, p.Ser1611Ala (NM_001354900.2); c.4777T>G, p.Ser1593Ala (NM_001354901.2, NM_001407453.1); and 11 more; short protein forms S1492A, S1526A, S1611A, S1645A, S1268A, S1369A, S1593A, S1624A.
Identifiers: ClinVar variation 2726917 (VCV002726917.3), dbSNP rs2533610762, ClinGen allele CA16032181.